The following is an entry in ClinVar:

NM_004656.4(BAP1):c.173C>T (p.Ser58Phe)

Gene: BAP1 (BRCA1 associated deubiquitinase 1; minus strand). Cytogenetic location: 3p21.1.
Variant type: single nucleotide variant.
Coding change: c.173C>T on transcript NM_004656.4 (MANE Select); coding-DNA position 173, C replaced by T.
Protein change: p.Ser58Phe; replaces serine 58 with phenylalanine.
Molecular consequence: missense variant.
Genome position (GRCh38, 1-based): chr3:52,408,556, G>A on the plus strand (C>T on the coding strand, the complement: BAP1 is on the minus strand). VCF-style: chr3-52408556-G-A. GRCh37 (hg19) VCF-style: chr3-52442572-G-A.
Other names: short protein forms S58F.
Identifiers: ClinVar variation 1004852 (VCV001004852.5), dbSNP rs1705238935, ClinGen allele CA353113481.

ClinVar aggregate classification (germline): Uncertain significance (1 of 4 stars; one submission).

Conditions:
BAP1-related tumor predisposition syndrome (TPDS1). Also called: BAP1 tumor predisposition syndrome; Tumor susceptibility linked to germline BAP1 mutations; COMMON Syndrome; TUMOR PREDISPOSITION SYNDROME 1. Identifiers: Orphanet 289539, MedGen C3280492, MONDO:0013692, OMIM 614327.

Submission:

Labcorp Genetics (formerly Invitae), Labcorp
Classification: Uncertain significance for BAP1-related tumor predisposition syndrome. Last evaluated: 2020-06-17. Review status: criteria provided, single submitter. Criteria: Invitae Variant Classification Sherloc (09022015). Collection method: clinical testing. Allele origin: germline.
Comment: In summary, the available evidence is currently insufficient to determine the role of this variant in disease. Therefore, it has been classified as a Variant of Uncertain Significance. Algorithms developed to predict the effect of missense changes on protein structure and function are either unavailable or do not agree on the potential impact of this missense change (SIFT: "Deleterious"; PolyPhen-2: "Probably Damaging"; Align-GVGD: "Class C15"). This variant has not been reported in the literature in individuals with BAP1-related conditions. This variant is not present in population databases (ExAC no frequency). This sequence change replaces serine with phenylalanine at codon 58 of the BAP1 protein (p.Ser58Phe). The serine residue is highly conserved and there is a large physicochemical difference between serine and phenylalanine.